The following is an entry in ClinVar:

ClinVar aggregate classification (germline): Conflicting classifications of pathogenicity. Review status: criteria provided, conflicting classifications (1 of 4 stars). 4 submissions from 4 submitters: Uncertain significance (2); Likely benign (2). Last evaluated 2025-12-03.

Conditions:
Hereditary breast ovarian cancer syndrome. Also called: Hereditary breast and ovarian cancer syndrome; Hereditary breast and ovarian cancer; Hereditary breast and ovarian cancer syndrome (HBOC); Breast and ovarian cancer; Hereditary breast and/or ovarian cancer syndrome; BRCA1- and BRCA2-Associated Hereditary Breast and Ovarian Cancer. Identifiers: Orphanet 145, MedGen C0677776, MeSH D061325, MONDO:0003582. Disease mechanism: loss of function.
Hereditary cancer-predisposing syndrome. Also called: Neoplastic Syndromes, Hereditary; Tumor predisposition; Hereditary neoplastic syndrome; Hereditary Cancer Syndrome. Identifiers: Orphanet 140162, MedGen C0027672, MeSH D009386, MONDO:0015356.

Allele frequency attached by ClinVar (database versions not stated): gnomAD exomes below 0.00001.
gnomAD v4.1: 5 of 1,613,938 alleles (0.00031%); highest among the groups gnomAD compares: African/African-American, 0.0027%; no homozygotes.

Submissions (4):

Ambry Genetics
Classification: Uncertain significance for Hereditary cancer-predisposing syndrome. Last evaluated: 2025-12-03. Review status: criteria provided, single submitter. Criteria: Ambry Variant Classification Scheme 2023. Collection method: clinical testing. Allele origin: germline.

Labcorp Genetics (formerly Invitae), Labcorp
Classification: Uncertain significance for Hereditary breast ovarian cancer syndrome. Last evaluated: 2025-12-02. Review status: criteria provided, single submitter. Criteria: Invitae Variant Classification Sherloc (09022015). Collection method: clinical testing. Allele origin: germline.
Comment: This sequence change replaces asparagine, which is neutral and polar, with serine, which is neutral and polar, at codon 1501 of the BRCA2 protein (p.Asn1501Ser). This variant is not present in population databases (gnomAD no frequency). This variant has not been reported in the literature in individuals affected with BRCA2-related conditions. ClinVar contains an entry for this variant (Variation ID: 824952). Invitae Evidence Modeling of protein sequence and biophysical properties (such as structural, functional, and spatial information, amino acid conservation, physicochemical variation, residue mobility, and thermodynamic stability) indicates that this missense variant is not expected to disrupt BRCA2 protein function with a negative predictive value of 95%. In summary, the available evidence is currently insufficient to determine the role of this variant in disease. Therefore, it has been classified as a Variant of Uncertain Significance.

University of Washington Department of Laboratory Medicine, University of Washington
Classification: Likely benign for Hereditary cancer-predisposing syndrome. Last evaluated: 2023-03-23. Review status: criteria provided, single submitter. Criteria: Dines et al. (Genet Med. 2020). Collection method: curation. Allele origin: germline.
Comment: Missense variant in a coldspot region where missense variants are very unlikely to be pathogenic (PMID:31911673).

BRCA2 exon 11 coldspot. Reclassification based on statistical prior probability.

National Health Laboratory Service, Universitas Academic Hospital and University of the Free State
Classification: Likely benign for Hereditary breast ovarian cancer syndrome. Last evaluated: 2022-04-19. Review status: criteria provided, single submitter. Criteria: ACMG Guidelines, 2015. Collection method: clinical testing. Allele origin: germline. Affected: yes. Observed: 18 variant alleles.

Literature cited by the submitters: DOI 10.3389/fgene.2022.834265 (cited by National Health Laboratory Service, Universitas Academic Hospital and University of the Free State).

NM_000059.4(BRCA2):c.4502A>G (p.Asn1501Ser)

Gene: BRCA2 (BRCA2 DNA repair associated; plus strand). Cytogenetic location: 13q13.1.
Variant type: single nucleotide variant.
Coding change: c.4502A>G on transcript NM_000059.4 (MANE Select); coding-DNA position 4502, A replaced by G.
Protein change: p.Asn1501Ser; replaces asparagine 1501 with serine.
Molecular consequence: missense variant.
Genome position (GRCh38, 1-based): chr13:32,338,857, A>G. VCF-style: chr13-32338857-A-G. GRCh37 (hg19) VCF-style: chr13-32912994-A-G.
Other names: NP_000050.3:p.Asn1501Ser; short protein forms N1501S.
Identifiers: ClinVar variation 824952 (VCV000824952.30), dbSNP rs545444016, ClinGen allele CA247507829.